The following is an entry in ClinVar:

NC_000001.10:g.(?_1550840)_(1724770_?)dup

Genes: CDK11A (cyclin dependent kinase 11A; minus strand), CDK11B (cyclin dependent kinase 11B; minus strand), GNB1 (G protein subunit beta 1; minus strand), MIB2 (MIB E3 ubiquitin protein ligase 2; plus strand), MMP23B (matrix metallopeptidase 23B; plus strand) and 3 more. Cytogenetic location: 1p36.33.
Variant type: Duplication.
Identifiers: ClinVar variation 1511801 (VCV001511801.4).

ClinVar aggregate classification (germline): Uncertain significance (1 of 4 stars; one submission).

Submission:

Labcorp Genetics (formerly Invitae), Labcorp
Classification: Uncertain significance. Last evaluated: 2021-02-17. Review status: criteria provided, single submitter. Criteria: Invitae Variant Classification Sherloc (09022015). Collection method: clinical testing. Allele origin: germline.
Comment: This variant has not been reported in the literature in individuals with GNB1-related conditions. This variant results in a copy number gain of the genomic region encompassing exon(s) 8-12 of the GNB1 gene. The 5' boundary is likely confined to intron 7. The 3' end of this event is unknown as it extends beyond the assayed region for this gene and therefore may encompass additional genes. As the precise location of this event is unknown, it may be in tandem or it may be located elsewhere in the genome. Experimental studies and prediction algorithms are not available or were not evaluated, and the functional significance of this variant is currently unknown. In summary, the available evidence is currently insufficient to determine the role of this variant in disease. Therefore, it has been classified as a Variant of Uncertain Significance.